The following is an entry in ClinVar:

NM_004415.4(DSP):c.3958A>C (p.Ile1320Leu)

Gene: DSP (desmoplakin; plus strand). Cytogenetic location: 6p24.3.
Variant type: single nucleotide variant.
Coding change: c.3958A>C on transcript NM_004415.4 (MANE Select); coding-DNA position 3958, A replaced by C.
Protein change: p.Ile1320Leu; replaces isoleucine 1320 with leucine.
Molecular consequence: missense variant. On other transcripts: intron variant (1).
Genome position (GRCh38, 1-based): chr6:7,580,148, A>C. VCF-style: chr6-7580148-A-C. GRCh37 (hg19) VCF-style: chr6-7580381-A-C.
Other names: c.3958A>C, p.Ile1320Leu (NM_001319034.2); c.3582+376A>C (NM_001008844.3); short protein forms I1320L.
Identifiers: ClinVar variation 3749416 (VCV003749416.2).
Genomic context (GRCh38, chr6:7,580,148, plus strand): 5'-CAGCAGCGCTCTGAGGACAATGCCCGGCACAAGCAGTCCCTGGAGGAGGCTGCCAAGACC[A>C]TTCAGGACAAAAATAAGGAGATCGAGAGACTCAAAGCTGAGTTTCAGGAGGAGGCCAAGC-3'
Protein context (NP_004406.2, residues 1310-1330): KQSLEEAAKT[Ile1320Leu]QDKNKEIERL

ClinVar aggregate classification (germline): Uncertain significance (1 of 4 stars; one submission).

Conditions:
Arrhythmogenic cardiomyopathy with wooly hair and keratoderma. Also called: PALMOPLANTAR KERATODERMA WITH LEFT VENTRICULAR CARDIOMYOPATHY AND WOOLLY HAIR; Dilated cardiomyopathy with woolly hair and keratoderma; Carvajal syndrome; Arrhythmogenic cardiomyopathy with woolly hair and keratoderma. Identifiers: Orphanet 65282, MedGen C1854063, MONDO:0011581, OMIM 605676.
Arrhythmogenic right ventricular dysplasia 8 (ARVD8). Also called: Arrhythmogenic Right Ventricular Dysplasia/Cardiomyopathy 8; ARRHYTHMOGENIC RIGHT VENTRICULAR DYSPLASIA, FAMILIAL, 8; ARRHYTHMOGENIC RIGHT VENTRICULAR CARDIOMYOPATHY 8. Identifiers: MedGen C1843896, MONDO:0011831, OMIM 607450.

gnomAD v4.1: 1 of 1,614,140 alleles (0.000062%); highest among the groups gnomAD compares: Non-Finnish European, 0.000085%; no homozygotes.

Submission:

Labcorp Genetics (formerly Invitae), Labcorp
Classification: Uncertain significance for Arrhythmogenic cardiomyopathy with wooly hair and keratoderma; Arrhythmogenic right ventricular dysplasia 8. Last evaluated: 2024-05-13. Review status: criteria provided, single submitter. Criteria: Invitae Variant Classification Sherloc (09022015). Collection method: clinical testing. Allele origin: germline.
Comment: This sequence change replaces isoleucine, which is neutral and non-polar, with leucine, which is neutral and non-polar, at codon 1320 of the DSP protein (p.Ile1320Leu). This variant is not present in population databases (gnomAD no frequency). This variant has not been reported in the literature in individuals affected with DSP-related conditions. An algorithm developed to predict the effect of missense changes on protein structure and function (PolyPhen-2) suggests that this variant is likely to be disruptive. In summary, the available evidence is currently insufficient to determine the role of this variant in disease. Therefore, it has been classified as a Variant of Uncertain Significance.